The following is an entry in ClinVar:

NM_003872.3(NRP2):c.330G>A (p.Pro110=)

Gene: NRP2 (neuropilin 2; plus strand). Cytogenetic location: 2q33.3.
Variant type: single nucleotide variant.
Coding change: c.330G>A on transcript NM_003872.3 (MANE Select); coding-DNA position 330, G replaced by A.
Protein change: p.Pro110=; no amino-acid change (proline 110 retained).
Molecular consequence: synonymous variant.
Genome position (GRCh38, 1-based): chr2:205,716,271, G>A. VCF-style: chr2-205716271-G-A. GRCh37 (hg19) VCF-style: chr2-206580995-G-A.
Other names: c.330G>A, p.Pro110= (NM_018534.4, NM_201264.2, NM_201266.2 and 2 more transcripts).
Identifiers: ClinVar variation 3354796 (VCV003354796.1).
Genomic context (GRCh38, chr2:205,716,271, plus strand): 5'-TCGGGATGGGGACAGTGAATCCGCAGACCTCCTGGGCAAACACTGTGGGAACATCGCCCC[G>A]CCCACCATCATCTCCTCGGGCTCCATGCTCTACATCAAGTTCACCTCCGACTACGCCCGG-3'
Protein context (NP_003863.2, residues 100-120): LLGKHCGNIA[Pro110=]PTIISSGSML

ClinVar aggregate classification (germline): Likely benign (0 of 4 stars; one submission).

Conditions:
NRP2-related disorder. Also called: NRP2-related condition.

gnomAD v4.1: 67 of 1,614,026 alleles (0.0042%); highest among the groups gnomAD compares: Non-Finnish European, 0.0052%; no homozygotes.

Submission:

PreventionGenetics, part of Exact Sciences
Classification: Likely benign for NRP2-related condition. Last evaluated: 2022-05-05. Review status: no assertion criteria provided. Collection method: clinical testing. Allele origin: germline.
Comment: This variant is classified as likely benign based on ACMG/AMP sequence variant interpretation guidelines (Richards et al. 2015 PMID: 25741868, with internal and published modifications).